The following is an entry in ClinVar:

ClinVar aggregate classification (germline): Likely pathogenic. Review status: criteria provided, single submitter (1 of 4 stars). 2 submissions from 2 submitters: Likely pathogenic (1). 1 of the submissions does not count toward it. Last evaluated 2026-03-19.

Conditions:
Spondyloepiphyseal dysplasia with congenital joint dislocations (SEDCJD). Also called: Chondrodysplasia with Congenital Joint Dislocations, CHST3-Related. Identifiers: Orphanet 263463, MedGen C1837657, MONDO:0007738, OMIM 143095.

Submissions (2):

MVZ Medizinische Genetik Mainz
Classification: Likely pathogenic for Spondyloepiphyseal dysplasia with congenital joint dislocations. Last evaluated: 2026-03-19. Review status: criteria provided, single submitter. Criteria: UK Practice Guidelines For Variant Classification V4 01 2020. Collection method: clinical testing. Allele origin: germline. Inheritance: Autosomal recessive inheritance. Affected: yes. Observed: 1 variant allele.
Comment: ACMG Criteria: PM1,PM3,PP3_MOD,PS3_SUP,PM2_SUP

OMIM
Classification: Pathogenic for SPONDYLOEPIPHYSEAL DYSPLASIA WITH CONGENITAL JOINT DISLOCATIONS. Last evaluated: 2010-10-01. Review status: no assertion criteria provided. Collection method: literature only. Allele origin: germline. Not counted in ClinVar's aggregate classification.

Literature cited by the submitters: PubMed 18513679 (cited by OMIM); PubMed 20830804 (cited by OMIM); PubMed 15368507 (cited by OMIM).

NM_004273.5(CHST3):c.776T>C (p.Leu259Pro)

Gene: CHST3 (carbohydrate sulfotransferase 3; plus strand). Cytogenetic location: 10q22.1.
Variant type: single nucleotide variant.
Coding change: c.776T>C on transcript NM_004273.5 (MANE Select); coding-DNA position 776, T replaced by C.
Protein change: p.Leu259Pro; replaces leucine 259 with proline.
Molecular consequence: missense variant.
Genome position (GRCh38, 1-based): chr10:72,007,807, T>C. VCF-style: chr10-72007807-T-C. GRCh37 (hg19) VCF-style: chr10-73767565-T-C.
Other names: short protein forms L259P.
Identifiers: ClinVar variation 6041 (VCV000006041.2), dbSNP rs121908616, ClinGen allele CA253725.